The following is an entry in ClinVar:

NM_001278431.2(C1QTNF5):c.284C>A (p.Ala95Asp)

Genes: C1QTNF5 (C1q and TNF related 5; minus strand), MFRP (membrane frizzled-related protein; minus strand). Cytogenetic location: 11q23.3.
Variant type: single nucleotide variant.
Coding change: c.284C>A on transcript NM_001278431.2 (MANE Select); coding-DNA position 284, C replaced by A.
Protein change: p.Ala95Asp; replaces alanine 95 with aspartic acid.
Molecular consequence: missense variant. On other transcripts: 3 prime UTR variant (1).
Genome position (GRCh38, 1-based): chr11:119,339,779, G>T on the plus strand (C>A on the coding strand, the complement: C1QTNF5 is on the minus strand). VCF-style: chr11-119339779-G-T. GRCh37 (hg19) VCF-style: chr11-119210489-G-T.
Other names: c.284C>A, p.Ala95Asp (NM_015645.5); c.*1180C>A (NM_031433.4); short protein forms A95D.
Identifiers: ClinVar variation 1960206 (VCV001960206.5), dbSNP rs1185707685, ClinGen allele CA382969979.

ClinVar aggregate classification (germline): Uncertain significance (1 of 4 stars; one submission).

Allele frequency attached by ClinVar (database versions not stated): TOPMed below 0.00001.
gnomAD v4.1: 2 of 1,541,944 alleles (0.00013%); highest among the groups gnomAD compares: Non-Finnish European, 0.000087%; no homozygotes.

Submission:

Labcorp Genetics (formerly Invitae), Labcorp
Classification: Uncertain significance. Last evaluated: 2022-10-11. Review status: criteria provided, single submitter. Criteria: Invitae Variant Classification Sherloc (09022015). Collection method: clinical testing. Allele origin: germline.
Comment: This sequence change replaces alanine, which is neutral and non-polar, with aspartic acid, which is acidic and polar, at codon 95 of the C1QTNF5 protein (p.Ala95Asp). In summary, the available evidence is currently insufficient to determine the role of this variant in disease. Therefore, it has been classified as a Variant of Uncertain Significance. Algorithms developed to predict the effect of missense changes on protein structure and function (SIFT, PolyPhen-2, Align-GVGD) all suggest that this variant is likely to be tolerated. This variant has not been reported in the literature in individuals affected with C1QTNF5-related conditions. The frequency data for this variant in the population databases is considered unreliable, as metrics indicate poor data quality at this position in the gnomAD database.